The following is an entry in ClinVar:

ClinVar aggregate classification (germline): Uncertain significance (1 of 4 stars; one submission).

Conditions:
Combined immunodeficiency due to STIM1 deficiency. Also called: IMMUNODEFICIENCY 10; STIM1 DEFICIENCY. Identifiers: Orphanet 169090, Orphanet 317430, MedGen C2748557, MONDO:0013008, OMIM 612783.
Myopathy with tubular aggregates (TAM). Also called: Tubular Aggregate Myopathy. Identifiers: Orphanet 2593, MedGen C0410207, MONDO:0008051.
Stormorken syndrome (STRMK). Also called: THROMBOCYTOPATHY, ASPLENIA, AND MIOSIS. Identifiers: Orphanet 3204, MedGen C1861451, MONDO:0008497, OMIM 185070.

Allele frequency attached by ClinVar (database versions not stated): gnomAD exomes below 0.00001.
gnomAD v4.1: 2 of 1,602,922 alleles (0.00012%); highest among the groups gnomAD compares: Non-Finnish European, 0.000085%; no homozygotes.

Submission:

Labcorp Genetics (formerly Invitae), Labcorp
Classification: Uncertain significance for Myopathy with tubular aggregates; Combined immunodeficiency due to STIM1 deficiency; Stormorken syndrome. Last evaluated: 2022-09-07. Review status: criteria provided, single submitter. Criteria: Invitae Variant Classification Sherloc (09022015). Collection method: clinical testing. Allele origin: germline.
Comment: In summary, the available evidence is currently insufficient to determine the role of this variant in disease. Therefore, it has been classified as a Variant of Uncertain Significance. This variant has not been reported in the literature in individuals affected with STIM1-related conditions. This variant is not present in population databases (gnomAD no frequency). This sequence change disrupts the translational stop signal of the STIM1 mRNA. It is expected to extend the length of the STIM1 protein by 27 additional amino acid residues.

NM_001382567.1(STIM1):c.2149T>C (p.Ter717Gln)

Gene: STIM1 (stromal interaction molecule 1; plus strand). Cytogenetic location: 11p15.4.
Variant type: single nucleotide variant.
Coding change: c.2149T>C on transcript NM_001382567.1 (MANE Select); coding-DNA position 2149, T replaced by C.
Protein change: p.Ter717Gln.
Molecular consequence: stop lost. On other transcripts: 3 prime UTR variant (4), non-coding transcript variant (3).
Genome position (GRCh38, 1-based): chr11:4,091,796, T>C. VCF-style: chr11-4091796-T-C. GRCh37 (hg19) VCF-style: chr11-4113026-T-C.
Other names: c.2374T>C, p.Ter792Gln (NM_001277961.3); c.*470T>C (NM_001277962.2, NM_001382578.1, NM_001382579.1 and 1 more transcripts); c.2152T>C, p.Ter718Gln (NM_001382566.1); c.2077T>C, p.Ter693Gln (NM_001382568.1); c.1921T>C, p.Ter641Gln (NM_001382569.1); c.1828T>C, p.Ter610Gln (NM_001382570.1); c.1576T>C, p.Ter526Gln (NM_001382571.1); c.1834T>C, p.Ter612Gln (NM_001382575.1, NM_001382576.1, NM_001382577.1); and 2 more.
Identifiers: ClinVar variation 1985125 (VCV001985125.4), dbSNP rs2498547837, ClinGen allele CA379198570.